The following is an entry in ClinVar:

ClinVar aggregate classification (germline): Uncertain significance (1 of 4 stars; one submission).

Conditions:
Charcot-Marie-Tooth disease type 2. Also called: Charcot-Marie-Tooth type 2. Identifiers: Orphanet 64746, MedGen C0270914, MONDO:0018993.

Submission:

Labcorp Genetics (formerly Invitae), Labcorp
Classification: Uncertain significance for Charcot-Marie-Tooth disease type 2. Last evaluated: 2022-03-19. Review status: criteria provided, single submitter. Criteria: Invitae Variant Classification Sherloc (09022015). Collection method: clinical testing. Allele origin: germline.
Comment: In summary, the available evidence is currently insufficient to determine the role of this variant in disease. Therefore, it has been classified as a Variant of Uncertain Significance. Algorithms developed to predict the effect of missense changes on protein structure and function are either unavailable or do not agree on the potential impact of this missense change (SIFT: "Deleterious"; PolyPhen-2: "Benign"; Align-GVGD: "Class C25"). This variant has not been reported in the literature in individuals affected with LMNA-related conditions. This variant is not present in population databases (gnomAD no frequency). This sequence change replaces alanine, which is neutral and non-polar, with proline, which is neutral and non-polar, at codon 9 of the LMNA protein (p.Ala9Pro).

NM_170707.4(LMNA):c.25G>C (p.Ala9Pro)

Genes: LMNA (lamin A/C; plus strand), LOC129931597 (ATAC-STARR-seq lymphoblastoid silent region 1421; plus strand). Cytogenetic location: 1q22.
Variant type: single nucleotide variant.
Coding change: c.25G>C on transcript NM_170707.4 (MANE Select); coding-DNA position 25, G replaced by C.
Protein change: p.Ala9Pro; replaces alanine 9 with proline.
Molecular consequence: missense variant.
Genome position (GRCh38, 1-based): chr1:156,114,943, G>C. VCF-style: chr1-156114943-G-C. GRCh37 (hg19) VCF-style: chr1-156084734-G-C.
Other names: c.25G>C, p.Ala9Pro (NM_001282625.2, NM_001282626.2, NM_001406983.1 and 6 more transcripts); c.-399G>C (NM_001406986.1); c.-377G>C (NM_001406990.1, NM_001406995.1, NM_001407002.1); c.-640G>C (NM_001406994.1, NM_001407000.1); c.-820G>C (NM_001406999.1); c.-483G>C (NM_001407001.1); short protein forms A9P.
Identifiers: ClinVar variation 2114104 (VCV002114104.4), dbSNP rs2527829229, ClinGen allele CA342806042.